The following is an entry in ClinVar:

NM_015599.3(PGM3):c.1281A>G (p.Glu427=)

Gene: PGM3 (phosphoglucomutase 3; minus strand). Cytogenetic location: 6q14.1.
Variant type: single nucleotide variant.
Coding change: c.1281A>G on transcript NM_015599.3 (MANE Select); coding-DNA position 1281, A replaced by G.
Protein change: p.Glu427=; no amino-acid change (glutamic acid 427 retained).
Molecular consequence: synonymous variant. On other transcripts: non-coding transcript variant (1), intron variant (1).
Genome position (GRCh38, 1-based): chr6:83,172,021, T>C on the plus strand (A>G on the coding strand, the complement: PGM3 is on the minus strand). VCF-style: chr6-83172021-T-C. GRCh37 (hg19) VCF-style: chr6-83881740-T-C.
Other names: p.Glu455=; c.1365A>G, p.Glu455= (NM_001199917.2, NM_001367287.1); c.1038A>G, p.Glu346= (NM_001199918.2); c.1281A>G, p.Glu427= (NM_001199919.2); c.1243-1543A>G (NM_001367286.1).
Identifiers: ClinVar variation 672119 (VCV000672119.13), dbSNP rs542948, ClinGen allele CA3906556.

ClinVar aggregate classification (germline): Benign/Likely benign. Review status: criteria provided, multiple submitters, no conflicts (2 of 4 stars). 5 submissions from 5 submitters: Benign (4); Likely benign (1). Last evaluated 2026-02-04.

Conditions:
Immunodeficiency 23 (IMD23). Also called: IMMUNODEFICIENCY WITH HYPER IgE AND COGNITIVE IMPAIRMENT; IMMUNODEFICIENCY-VASCULITIS-MYOCLONUS SYNDROME. Identifiers: Orphanet 443811, MedGen C4014371, MONDO:0014353, OMIM 615816.

Allele frequency attached by ClinVar (database versions not stated): gnomAD exomes 0.26617 and 0.27498; ExAC 0.27963; gnomAD 0.34845 and 0.35441; ESP Exome Variant Server 0.35568; TOPMed 0.35669; 1000 Genomes Project 0.35843; 1000 Genomes Project 30x 0.36196.
gnomAD v4.1: 442,184 of 1,612,468 alleles (27%); highest among the groups gnomAD compares: African/African-American, 57%; 65,038 homozygotes.

Submissions (5):

Labcorp Genetics (formerly Invitae), Labcorp
Classification: Benign for Immunodeficiency 23. Last evaluated: 2026-02-04. Review status: criteria provided, single submitter. Criteria: Invitae Variant Classification Sherloc (09022015). Collection method: clinical testing. Allele origin: germline.

Women's Health and Genetics/Laboratory Corporation of America, LabCorp
Classification: Benign. Last evaluated: 2026-01-21. Review status: criteria provided, single submitter. Criteria: LabCorp Variant Classification Summary - May 2015. Collection method: clinical testing. Allele origin: germline.

Blueprint Genetics
Classification: Likely benign. Last evaluated: 2024-11-27. Review status: criteria provided, single submitter. Criteria: ACMG Guidelines, 2015. Collection method: clinical testing. Allele origin: germline.

Mayo Clinic Laboratories, Mayo Clinic
Classification: Benign. Last evaluated: 2022-09-06. Review status: criteria provided, single submitter. Criteria: ACMG Guidelines, 2015. Collection method: clinical testing. Allele origin: germline. Observed: 92 variant alleles.

GeneDx
Classification: Benign. Last evaluated: 2018-06-14. Review status: criteria provided, single submitter. Criteria: GeneDx Variant Classification (06012015). Collection method: clinical testing. Allele origin: germline. Affected: yes.
Comment: This variant is considered likely benign or benign based on one or more of the following criteria: it is a conservative change, it occurs at a poorly conserved position in the protein, it is predicted to be benign by multiple in silico algorithms, and/or has population frequency not consistent with disease.